The following is an entry in ClinVar:

NM_019109.5(ALG1):c.97C>T (p.Arg33Trp)

Gene: ALG1 (ALG1 chitobiosyldiphosphodolichol beta-mannosyltransferase; plus strand). Cytogenetic location: 16p13.3.
Variant type: single nucleotide variant.
Coding change: c.97C>T on transcript NM_019109.5 (MANE Select); coding-DNA position 97, C replaced by T.
Protein change: p.Arg33Trp; replaces arginine 33 with tryptophan.
Molecular consequence: missense variant.
Genome position (GRCh38, 1-based): chr16:5,071,946, C>T. VCF-style: chr16-5071946-C-T. GRCh37 (hg19) VCF-style: chr16-5121947-C-T.
Other names: c.97C>T (NM_019109.4); short protein forms R33W.
Identifiers: ClinVar variation 2163246 (VCV002163246.3), dbSNP rs572197392, ClinGen allele CA7889672.

ClinVar aggregate classification (germline): Uncertain significance. Review status: criteria provided, multiple submitters, no conflicts (2 of 4 stars). 3 submissions from 3 submitters: Uncertain significance (3). Last evaluated 2025-03-03.

Conditions:
ALG1-congenital disorder of glycosylation. Also called: CONGENITAL DISORDER OF GLYCOSYLATION, TYPE Ik; CDG Ik; ALG1-CDG. Identifiers: Orphanet 79327, MedGen C2931005, MONDO:0012052, OMIM 608540.
Inborn genetic diseases. Identifiers: MedGen C0950123, MeSH D030342.

Allele frequency attached by ClinVar (database versions not stated): TOPMed below 0.00001; ExAC 0.00013; 1000 Genomes Project 0.00040; 1000 Genomes Project 30x 0.00047.
gnomAD v4.1: 72 of 1,587,698 alleles (0.0045%); highest among the groups gnomAD compares: South Asian, 0.077%; 2 homozygotes.

Submissions (3):

GeneDx
Classification: Uncertain significance. Last evaluated: 2025-03-03. Review status: criteria provided, single submitter. Criteria: GeneDx Variant Classification Process June 2021. Collection method: clinical testing. Allele origin: germline. Affected: yes.
Comment: In silico analysis supports that this missense variant has a deleterious effect on protein structure/function; Has not been previously published as pathogenic or benign to our knowledge

Labcorp Genetics (formerly Invitae), Labcorp
Classification: Uncertain significance for ALG1-congenital disorder of glycosylation. Last evaluated: 2022-10-26. Review status: criteria provided, single submitter. Criteria: Invitae Variant Classification Sherloc (09022015). Collection method: clinical testing. Allele origin: germline.
Comment: This sequence change replaces arginine, which is basic and polar, with tryptophan, which is neutral and slightly polar, at codon 33 of the ALG1 protein (p.Arg33Trp). This variant is present in population databases (rs572197392, gnomAD 0.05%). This variant has not been reported in the literature in individuals affected with ALG1-related conditions. Advanced modeling of protein sequence and biophysical properties (such as structural, functional, and spatial information, amino acid conservation, physicochemical variation, residue mobility, and thermodynamic stability) performed at Invitae indicates that this missense variant is expected to disrupt ALG1 protein function. In summary, the available evidence is currently insufficient to determine the role of this variant in disease. Therefore, it has been classified as a Variant of Uncertain Significance.

Ambry Genetics
Classification: Uncertain significance for Inborn genetic diseases. Last evaluated: 2022-05-11. Review status: criteria provided, single submitter. Criteria: Ambry Variant Classification Scheme 2023. Collection method: clinical testing. Allele origin: germline.